The following is an entry in ClinVar:

ClinVar aggregate classification (germline): Uncertain significance (1 of 4 stars; one submission).

Conditions:
Familial cancer of breast. Also called: Hereditary breast cancer; BREAST CANCER, FAMILIAL; hereditary breast carcinoma. Identifiers: Orphanet 227535, MedGen C0346153, MONDO:0016419, OMIM 114480. Disease mechanism: loss of function.

Submission:

Labcorp Genetics (formerly Invitae), Labcorp
Classification: Uncertain significance for Familial cancer of breast. Last evaluated: 2024-10-22. Review status: criteria provided, single submitter. Criteria: Invitae Variant Classification Sherloc (09022015). Collection method: clinical testing. Allele origin: germline.
Comment: This sequence change replaces glutamic acid, which is acidic and polar, with glutamine, which is neutral and polar, at codon 528 of the PALB2 protein (p.Glu528Gln). This variant is not present in population databases (gnomAD no frequency). This variant has not been reported in the literature in individuals affected with PALB2-related conditions. Invitae Evidence Modeling of protein sequence and biophysical properties (such as structural, functional, and spatial information, amino acid conservation, physicochemical variation, residue mobility, and thermodynamic stability) indicates that this missense variant is not expected to disrupt PALB2 protein function with a negative predictive value of 80%. In summary, the available evidence is currently insufficient to determine the role of this variant in disease. Therefore, it has been classified as a Variant of Uncertain Significance.

NM_024675.4(PALB2):c.1582G>C (p.Glu528Gln)

Gene: PALB2 (partner and localizer of BRCA2; minus strand). Cytogenetic location: 16p12.2.
Variant type: single nucleotide variant.
Coding change: c.1582G>C on transcript NM_024675.4 (MANE Select); coding-DNA position 1582, G replaced by C.
Protein change: p.Glu528Gln; replaces glutamic acid 528 with glutamine.
Molecular consequence: missense variant. On other transcripts: intron variant (3).
Genome position (GRCh38, 1-based): chr16:23,634,964, C>G on the plus strand (G>C on the coding strand, the complement: PALB2 is on the minus strand). VCF-style: chr16-23634964-C-G. GRCh37 (hg19) VCF-style: chr16-23646285-C-G.
Other names: c.1522G>C, p.Glu508Gln (NM_001407296.1); c.1582G>C, p.Glu528Gln (NM_001407297.1, NM_001407298.1, NM_001407299.1 and 3 more transcripts); c.697G>C, p.Glu233Gln (NM_001407304.1, NM_001407305.1, NM_001407306.1 and 5 more transcripts); c.49-5689G>C (NM_001407314.1); c.-104-4495G>C (NM_001407313.1, NM_001407312.1); short protein forms E233Q, E508Q, E528Q.
Identifiers: ClinVar variation 2705578 (VCV002705578.3), dbSNP rs1966955447, ClinGen allele CA395130641.